The following is an entry in ClinVar:

ClinVar aggregate classification (germline): Likely pathogenic (1 of 4 stars; one submission).

Submission:

Athena Diagnostics
Classification: Likely pathogenic. Last evaluated: 2019-07-18. Review status: criteria provided, single submitter. Criteria: Athena Diagnostics Criteria. Collection method: clinical testing. Allele origin: germline.
Comment: The variant creates a premature nonsense codon, and is therefore predicted to result in the loss of a functional protein. Not found in the total gnomAD dataset, and the data is high quality (0/282712 chr).

NM_001039.4(SCNN1G):c.1697G>A (p.Trp566Ter)

Gene: SCNN1G (sodium channel epithelial 1 subunit gamma; plus strand). Cytogenetic location: 16p12.2.
Variant type: single nucleotide variant.
Coding change: c.1697G>A on transcript NM_001039.4 (MANE Select); coding-DNA position 1697, G replaced by A.
Protein change: p.Trp566Ter; replaces tryptophan 566 with a stop codon.
Molecular consequence: nonsense.
Genome position (GRCh38, 1-based): chr16:23,215,216, G>A. VCF-style: chr16-23215216-G-A. GRCh37 (hg19) VCF-style: chr16-23226537-G-A.
Other names: short protein forms W566*.
Identifiers: ClinVar variation 805493 (VCV000805493.1), dbSNP rs1596779485, ClinGen allele CA395103471.
Genomic context (GRCh38, chr16:23,215,216, plus strand): 5'-TCATCGAGATCATCGAGGTCTTCTTCATTGACTTCTTCTCTATCATTGCCCGCCGCCAGT[G>A]GCAGAAAGCCAAGGAGTGGTGGGCCTGGAAACAGGCTCCCCCATGTCCAGAAGCTCCCCG-3'